The following is an entry in ClinVar:

NM_001377265.1(MAPT):c.1629C>G (p.Ile543Met)

Gene: MAPT (microtubule associated protein tau). Cytogenetic location: 17q21.31.
Variant type: single nucleotide variant.
Coding change: c.1629C>G on transcript NM_001377265.1 (MANE Select); coding-DNA position 1629, C replaced by G.
Protein change: p.Ile543Met; replaces isoleucine 543 with methionine.
Molecular consequence: missense variant. On other transcripts: non-coding transcript variant (1).
Genome position (GRCh38, 1-based): chr17:45,991,483, C>G. VCF-style: chr17-45991483-C-G. GRCh37 (hg19) VCF-style: chr17-44068849-C-G.
Other names: c.1404C>G, p.Ile468Met (NM_001123066.4, NM_016835.5); c.366C>G, p.Ile122Met (NM_001123067.4, NM_001203251.2, NM_001377267.1); c.453C>G, p.Ile151Met (NM_001203252.2, NM_005910.6); c.1431C>G, p.Ile477Met (NM_001377266.1); c.279C>G, p.Ile93Met (NM_001377268.1, NM_016834.5, NM_016841.5); short protein forms I122M, I151M, I468M, I477M, I543M, I93M.
Identifiers: ClinVar variation 1002664 (VCV001002664.9), dbSNP rs759212591, ClinGen allele CA399977590.
Genomic context (GRCh38, chr17:45,991,483, plus strand): 5'-AATGGTGAAAAACCCCTCTATCATGTTTCATTTACAGGGGGCTGATGGTAAAACGAAGAT[C>G]GCCACACCGCGGGGAGCAGCCCCTCCAGGCCAGAAGGGCCAGGCCAACGCCACCAGGATT-3'
Protein context (NP_001364194.1, residues 533-553): KLKGADGKTK[Ile543Met]ATPRGAAPPG

ClinVar aggregate classification (germline): Uncertain significance (1 of 4 stars; one submission).

Conditions:
Frontotemporal dementia (FTD1). Also called: WILHELMSEN-LYNCH DISEASE; FRONTOTEMPORAL DEMENTIA WITH PARKINSONISM; FRONTOTEMPORAL LOBE DEMENTIA; MULTIPLE SYSTEM TAUOPATHY WITH PRESENILE DEMENTIA; FRONTOTEMPORAL LOBAR DEGENERATION WITH TAU INCLUSIONS; FTLD WITH TAU INCLUSIONS. Identifiers: Orphanet 282, MedGen C0338451, MONDO:0017276, OMIM 600274, HP:0002145.

gnomAD v4.1: 2 of 1,614,190 alleles (0.00012%); highest among the groups gnomAD compares: Admixed American, 0.0033%; no homozygotes.

Submission:

Labcorp Genetics (formerly Invitae), Labcorp
Classification: Uncertain significance for Frontotemporal dementia. Last evaluated: 2020-10-27. Review status: criteria provided, single submitter. Criteria: Invitae Variant Classification Sherloc (09022015). Collection method: clinical testing. Allele origin: germline.
Comment: This variant has not been reported in the literature in individuals with MAPT-related conditions. In summary, the available evidence is currently insufficient to determine the role of this variant in disease. Therefore, it has been classified as a Variant of Uncertain Significance. Algorithms developed to predict the effect of missense changes on protein structure and function output the following: SIFT: "Deleterious"; PolyPhen-2: "Possibly Damaging"; Align-GVGD: "Class C0". The methionine amino acid residue is found in multiple mammalian species, suggesting that this missense change does not adversely affect protein function. These predictions have not been confirmed by published functional studies and their clinical significance is uncertain. This variant is not present in population databases (ExAC no frequency). This sequence change replaces isoleucine with methionine at codon 151 of the MAPT protein (p.Ile151Met). The isoleucine residue is moderately conserved and there is a small physicochemical difference between isoleucine and methionine.